The following is an entry in ClinVar:

NM_001009944.3(PKD1):c.3714C>T (p.Gly1238=)

Gene: PKD1 (polycystin 1, transient receptor potential channel interacting; minus strand). Cytogenetic location: 16p13.3.
Variant type: single nucleotide variant.
Coding change: c.3714C>T on transcript NM_001009944.3 (MANE Select); coding-DNA position 3714, C replaced by T.
Protein change: p.Gly1238=; no amino-acid change (glycine 1238 retained).
Molecular consequence: synonymous variant.
Genome position (GRCh38, 1-based): chr16:2,111,453, G>A on the plus strand (C>T on the coding strand, the complement: PKD1 is on the minus strand). VCF-style: chr16-2111453-G-A. GRCh37 (hg19) VCF-style: chr16-2161454-G-A.
Other names: c.3714C>T, p.Gly1238= (NM_000296.4); c.3714C>T (NM_001009944.2).
Identifiers: ClinVar variation 997219 (VCV000997219.4), dbSNP rs769745056, ClinGen allele CA7832658.

ClinVar aggregate classification (germline): Likely benign. Review status: criteria provided, single submitter (1 of 4 stars). 3 submissions from 3 submitters: Likely benign (1). 2 of the submissions do not count toward it. Last evaluated 2025-09-22.

Conditions:
Polycystic kidney disease. Also called: Polycystic kidney dysplasia; Kidney, Polycystic. Identifiers: MedGen C0022680, MeSH D007690, MONDO:0020642, HP:0000113.
PKD1-related disorder. Also called: PKD1-related condition.

Allele frequency attached by ClinVar (database versions not stated): gnomAD 0.00003 and 0.00004; gnomAD exomes 0.00004 and 0.00006; TOPMed 0.00004; ExAC 0.00008.
gnomAD v4.1: 67 of 1,611,626 alleles (0.0042%); highest among the groups gnomAD compares: East Asian, 0.029%; no homozygotes.

Submissions (3):

Women's Health and Genetics/Laboratory Corporation of America, LabCorp
Classification: Likely benign. Last evaluated: 2025-09-22. Review status: criteria provided, single submitter. Criteria: LabCorp Variant Classification Summary - May 2015. Collection method: clinical testing. Allele origin: germline.

PreventionGenetics, part of Exact Sciences
Classification: Likely benign for PKD1-related condition. Last evaluated: 2020-12-08. Review status: no assertion criteria provided. Collection method: clinical testing. Allele origin: germline. Not counted in ClinVar's aggregate classification.
Comment: This variant is classified as likely benign based on ACMG/AMP sequence variant interpretation guidelines (Richards et al. 2015 PMID: 25741868, with internal and published modifications).

Department of Pathology and Laboratory Medicine, Sinai Health System
Classification: Uncertain significance for Polycystic Kidney disease. Review status: no assertion criteria provided. Collection method: clinical testing. Allele origin: unknown. Affected: yes. Study: The Canadian Open Genetics Repository (COGR). Not counted in ClinVar's aggregate classification.
Comment: The PKD1 p.Gly1238= variant was not identified in the literature nor was it identified in the following databases: ClinVar, COGR, LOVD 3.0, ADPKD Mutation Database and PKD1-LOVD databases. The variant was identified in dbSNP (ID: rs769745056) as â€šÃ„ÃºNAâ€šÃ„Ã¹ and in control databases in 16 of 268926 chromosomes at a frequency of 0.00006 (Genome Aggregation Database Feb 27, 2017). Observations by population include Latino in 2 of 34240 chromosomes (freq: 0.00006), European Non-Finnish in 11 of 121612 chromosomes (freq: 0.00009), East Asian in 2 of 18642 chromosomes (freq: 0.0001), and South Asian in 1 of 30542 chromosomes (freq: 0.000033); it was not observed in the African, â€šÃ„ÃºOtherâ€šÃ„Ã¹, Ashkenazi Jewish, and European Finnish populations. The p.Gly1238= variant is not expected to have clinical significance because it does not result in a change of amino acid and is not located in a known consensus splice site. 2 of 5 in silico or computational prediction software programs (SpliceSiteFinder, MaxEntScan, NNSPLICE, GeneSplicer, HumanSpliceFinder) predict a greater than 10% difference in splicing. However, this information is not predictive enough to assume pathogenicity. In summary, based on the above information, the clinical significance of this variant cannot be determined with certainty at this time. This variant is classified as uncertain significance.